The following is an entry in ClinVar:

NM_000528.4(MAN2B1):c.2268-2A>T

Gene: MAN2B1 (mannosidase alpha class 2B member 1; minus strand). Cytogenetic location: 19p13.13.
Variant type: single nucleotide variant.
Coding change: c.2268-2A>T on transcript NM_000528.4 (MANE Select); the canonical splice acceptor site of the intron before coding-DNA position 2268, A replaced by T.
Molecular consequence: splice acceptor variant.
Genome position (GRCh38, 1-based): chr19:12,649,430, T>A on the plus strand (A>T on the coding strand, the complement: MAN2B1 is on the minus strand). VCF-style: chr19-12649430-T-A. GRCh37 (hg19) VCF-style: chr19-12760244-T-A.
Other names: c.2265-2A>T (NM_001173498.2).
Identifiers: ClinVar variation 1066687 (VCV001066687.8), dbSNP rs2023783146, ClinGen allele CA404241815.

ClinVar aggregate classification (germline): Likely pathogenic. Review status: criteria provided, multiple submitters, no conflicts (2 of 4 stars). 2 submissions from 2 submitters: Likely pathogenic (2). Last evaluated 2025-11-25.

Conditions:
Deficiency of alpha-mannosidase (MANSA). Also called: Alpha-Mannosidosis; LYSOSOMAL ALPHA-D-MANNOSIDASE DEFICIENCY; Mannosidosis, alpha-, types I and II. Identifiers: Orphanet 61, MedGen C0024748, MONDO:0009561, OMIM 248500.

Submissions (2):

Myriad Genetics, Inc.
Classification: Likely pathogenic for Deficiency of alpha-mannosidase. Last evaluated: 2025-11-25. Review status: criteria provided, single submitter. Criteria: Myriad Autosomal Dominant, Autosomal Recessive and X-Linked Classification Criteria (2023). Collection method: clinical testing. Allele origin: unknown.
Comment: NM_000528.3(MAN2B1):c.2268-2A>T is a variant in a canonical splice site classified as likely pathogenic in the context of alpha-mannosidosis. c.2268-2A>T has not been observed in cases with relevant disease. Relevant functional assessments of this variant are not available in the literature. c.2268-2A>T has not been observed in referenced population frequency databases. In summary, NM_000528.3(MAN2B1):c.2268-2A>T is a variant in a canonical splice site in a gene where loss of function is a known mechanism of disease and is predicted to disrupt protein function. Please note: this variant was assessed in the context of healthy population screening.

Labcorp Genetics (formerly Invitae), Labcorp
Classification: Likely pathogenic for Deficiency of alpha-mannosidase. Last evaluated: 2020-06-10. Review status: criteria provided, single submitter. Criteria: Invitae Variant Classification Sherloc (09022015). Collection method: clinical testing. Allele origin: germline.
Comment: In summary, the currently available evidence indicates that the variant is pathogenic, but additional data are needed to prove that conclusively. Therefore, this variant has been classified as Likely Pathogenic. Donor and acceptor splice site variants typically lead to a loss of protein function (PMID: 16199547), and loss-of-function variants in MAN2B1 are known to be pathogenic (PMID: 9915946, 22161967). Algorithms developed to predict the effect of sequence changes on RNA splicing suggest that this variant may disrupt the consensus splice site, but this prediction has not been confirmed by published transcriptional studies. This variant has not been reported in the literature in individuals with MAN2B1-related conditions. This variant is not present in population databases (ExAC no frequency). This sequence change affects an acceptor splice site in intron 18 of the MAN2B1 gene. It is expected to disrupt RNA splicing and likely results in an absent or disrupted protein product.

Literature cited by the submitters: PubMed 16199547 (cited by Labcorp Genetics (formerly Invitae), Labcorp); PubMed 9915946 (cited by Labcorp Genetics (formerly Invitae), Labcorp); PubMed 22161967 (cited by Labcorp Genetics (formerly Invitae), Labcorp).